The following is an entry in ClinVar:

NM_001386298.1(CIC):c.949C>G (p.Pro317Ala)

Gene: CIC (capicua transcriptional repressor; plus strand). Cytogenetic location: 19q13.2.
Variant type: single nucleotide variant.
Coding change: c.949C>G on transcript NM_001386298.1 (MANE Select); coding-DNA position 949, C replaced by G.
Protein change: p.Pro317Ala; replaces proline 317 with alanine.
Molecular consequence: missense variant.
Genome position (GRCh38, 1-based): chr19:42,272,732, C>G. VCF-style: chr19-42272732-C-G. GRCh37 (hg19) VCF-style: chr19-42776884-C-G.
Other names: c.949C>G, p.Pro317Ala (NM_001304815.2, NM_001379480.1, NM_001379482.1); short protein forms P317A.
Identifiers: ClinVar variation 3901901 (VCV003901901.1).

ClinVar aggregate classification (germline): Uncertain significance (1 of 4 stars; one submission).

Conditions:
Intellectual developmental disorder, autosomal dominant 45. Also called: MENTAL RETARDATION, AUTOSOMAL DOMINANT 45; Intellectual disability, autosomal dominant 45. Identifiers: MedGen C4539848, MONDO:0030910, OMIM 617600.

Submission:

Laboratorio de Genetica e Diagnostico Molecular, Hospital Israelita Albert Einstein
Classification: Uncertain significance for Intellectual developmental disorder, autosomal dominant 45. Last evaluated: 2024-11-18. Review status: criteria provided, single submitter. Criteria: ACMG Guidelines, 2015. Collection method: clinical testing. Allele origin: germline. Affected: yes.
Comment: ACMG classification criteria: PM2 supporting, BP4 supporting